The following is an entry in ClinVar:

ClinVar aggregate classification (germline): Likely benign. Review status: criteria provided, multiple submitters, no conflicts (2 of 4 stars). 4 submissions from 4 submitters: Likely benign (4). Last evaluated 2026-01-02.

Conditions:
TTN-related disorder. Also called: TTN-related condition; TTN-related disease; TTN-related disorders.
Cardiovascular phenotype. Identifiers: MedGen CN230736.
Autosomal recessive limb-girdle muscular dystrophy type 2J (LGMDR10). Also called: Limb-girdle muscular dystrophy, type 2J; MUSCULAR DYSTROPHY, LIMB-GIRDLE, AUTOSOMAL RECESSIVE 10. Identifiers: Orphanet 140922, MedGen C1837342, MONDO:0012127, OMIM 608807.
Dilated cardiomyopathy 1G (CMD1G). Identifiers: Orphanet 154, MedGen C1858763, MONDO:0011400, OMIM 604145.

Allele frequency attached by ClinVar (database versions not stated): gnomAD exomes 0.00001; TOPMed 0.00004; gnomAD 0.00007.
gnomAD v4.1: 19 of 1,612,998 alleles (0.0012%); highest among the groups gnomAD compares: African/African-American, 0.025%; no homozygotes.

Submissions (4):

Ambry Genetics
Classification: Likely benign for Cardiovascular phenotype. Last evaluated: 2026-01-02. Review status: criteria provided, single submitter. Criteria: Ambry Variant Classification Scheme 2023. Collection method: clinical testing. Allele origin: germline.

PreventionGenetics, part of Exact Sciences
Classification: Likely benign for TTN-related condition. Last evaluated: 2025-09-28. Review status: criteria provided, single submitter. Criteria: ACMG Guidelines, 2015. Collection method: clinical testing. Allele origin: germline.
Comment: This variant is classified as likely benign based on ACMG/AMP sequence variant interpretation guidelines (Richards et al. 2015 PMID: 25741868, with internal and published modifications).

Molecular Diagnostic Laboratory for Inherited Cardiovascular Disease, Montreal Heart Institute
Classification: Likely benign. Last evaluated: 2025-04-09. Review status: criteria provided, single submitter. Criteria: ACMG Guidelines, 2015. Collection method: clinical testing. Allele origin: germline. Affected: no.
Comment: BP7

Labcorp Genetics (formerly Invitae), Labcorp
Classification: Likely benign for Dilated cardiomyopathy 1G; Autosomal recessive limb-girdle muscular dystrophy type 2J. Last evaluated: 2024-10-05. Review status: criteria provided, single submitter. Criteria: Invitae Variant Classification Sherloc (09022015). Collection method: clinical testing. Allele origin: germline.

NM_001267550.2(TTN):c.75702G>T (p.Gly25234=)

Genes: TTN (titin; minus strand), TTN-AS1 (TTN antisense RNA 1; plus strand). Cytogenetic location: 2q31.2.
Variant type: single nucleotide variant.
Coding change: c.75702G>T on transcript NM_001267550.2 (MANE Select); coding-DNA position 75702, G replaced by T.
Protein change: p.Gly25234=; no amino-acid change (glycine 25234 retained).
Molecular consequence: synonymous variant.
Genome position (GRCh38, 1-based): chr2:178,570,430, C>A on the plus strand (G>T on the coding strand, the complement: TTN is on the minus strand). VCF-style: chr2-178570430-C-A. GRCh37 (hg19) VCF-style: chr2-179435157-C-A.
Other names: c.70779G>T, p.Gly23593= (NM_001256850.1); c.48507G>T, p.Gly16169= (NM_003319.4); c.67998G>T, p.Gly22666= (NM_133378.4); c.48882G>T, p.Gly16294= (NM_133432.3); c.49083G>T, p.Gly16361= (NM_133437.4).
Identifiers: ClinVar variation 705905 (VCV000705905.13), dbSNP rs1056574481, ClinGen allele CA60994935.
Genomic context (GRCh38, chr2:178,570,430, plus strand): 5'-CACAGTCCAAACTAAGCGGCTGGTTTCTCTCCTTTCCACAATATAATTTATGATGTCACT[C>A]CCACCATCCTGAAGTGGGGGTTTCCAAGCTAGTGTGCATTTTTCTGCTGTAACTCCTGAG-3'
Protein context (NP_001254479.2, residues 25224-25244): LAWKPPLQDG[Gly25234=]SDIINYIVER